The following is an entry in ClinVar:

ClinVar aggregate classification (germline): Likely pathogenic (0 of 4 stars; one submission).

Conditions:
Retinitis pigmentosa (RP). Identifiers: Orphanet 791, MedGen C0035334, MeSH D012174, MONDO:0019200, OMIM 268000. Inheritance: Autosomal dominant, autosomal recessive and X linked inheritance.

Submission:

Department of Ophthalmology and Visual Sciences Kyoto University
Classification: Likely pathogenic for Retinitis pigmentosa. Review status: no assertion criteria provided. Collection method: not provided. Allele origin: unknown.
ClinVar note: Converted during submission from probable-pathogenic to Likely pathogenic.

NM_001142800.2(EYS):c.7694del (p.Asn2565fs)

Gene: EYS (EGF-like photoreceptor maintenance factor; minus strand). Cytogenetic location: 6q12.
Variant type: Deletion.
Coding change: c.7694del on transcript NM_001142800.2 (MANE Select); coding-DNA position 7694, one base deleted (A; older notation c.7694delA).
Protein change: p.Asn2565fs; shifts the reading frame from asparagine 2565.
Molecular consequence: frameshift variant.
Genome position (GRCh38, 1-based): chr6:63,788,134, T deleted on the plus strand (A on the coding strand, the reverse complement: EYS is on the minus strand); the first of 3 consecutive T bases (chr6:63,788,134-63,788,136); deleting any one gives the same sequence. VCF-style (leftmost placement, unchanged base first): chr6-63788133-AT-A. GRCh37 (hg19) VCF-style: chr6-64498026-AT-A.
Other names: c.7694del, p.Asn2565fs (NM_001292009.2); short protein forms N2565fs.
Identifiers: ClinVar variation 143110 (VCV000143110.2), dbSNP rs527236078, ClinGen allele CA270062.
Genomic context (GRCh38, chr6:63,788,133, plus strand): 5'-TAGGTATAATATAAAAAATGTCCATGCCTTACCTTGAAAACCATTTTTAAAATCTGCTCC[AT>A]TTGGTAAGAGATCTGGAGTGTATTCACTGTAGCCACCTACATAAAACTGACTGAAGACAT-3'